The following is an entry in ClinVar:

NM_000044.6(AR):c.2258G>A (p.Arg753Gln)

Gene: AR (androgen receptor; plus strand). Cytogenetic location: Xq12.
Variant type: single nucleotide variant.
Coding change: c.2258G>A on transcript NM_000044.6 (MANE Select); coding-DNA position 2258, G replaced by A.
Protein change: p.Arg753Gln; replaces arginine 753 with glutamine.
Molecular consequence: missense variant.
Genome position (GRCh38, 1-based): chrX:67,717,562, G>A. VCF-style: chrX-67717562-G-A. GRCh37 (hg19) VCF-style: chrX-66937404-G-A.
Other names: c.662G>A, p.Arg221Gln (NM_001011645.3); c.2258G>A (NM_000044.2); short protein forms R753Q, R221Q.
Identifiers: ClinVar variation 492792 (VCV000492792.6), dbSNP rs1057523747, ClinGen allele CA413424670.

ClinVar aggregate classification (germline): Pathogenic/Likely pathogenic. Review status: criteria provided, multiple submitters, no conflicts (2 of 4 stars). 5 submissions from 5 submitters: Pathogenic (2); Likely pathogenic (2). 1 of the submissions does not count toward it. Last evaluated 2025-10-21.

Conditions:
AR-related disorders.
Differences in sex development.
Androgen resistance syndrome (AIS). Also called: Androgen insensitivity, complete; DHTR DEFICIENCY; Androgen insensitivity syndrome; Androgen insensitivity syndrome due to coactivator deficiency; TESTICULAR FEMINIZATION SYNDROME; ANDROGEN RECEPTOR DEFICIENCY. Identifiers: Orphanet 754, Orphanet 99429, MedGen C0039585, MONDO:0019154, OMIM 300068. Disease mechanism: loss of function.
Kennedy disease (SMAX1). Also called: Spinal and Bulbar Muscular Atrophy; KENNEDY SPINAL AND BULBAR MUSCULAR ATROPHY; SPINAL AND BULBAR MUSCULAR ATROPHY, X-LINKED 1. Identifiers: Orphanet 481, MedGen C1839259, MONDO:0010735, OMIM 313200.

Submissions (5):

NHS Central & South Genomic Laboratory Hub
Classification: Likely pathogenic for Differences in sex development. Last evaluated: 2025-10-21. Review status: criteria provided, single submitter. Criteria: ACMG Guidelines, 2015. Collection method: clinical testing. Allele origin: germline. Affected: yes.

GeneDx
Classification: Pathogenic. Last evaluated: 2025-06-05. Review status: criteria provided, single submitter. Criteria: GeneDx Variant Classification Process June 2021. Collection method: clinical testing. Allele origin: germline. Affected: yes.
Comment: Published functional studies (reported as R752Q using alternate nomenclature) demonstrate a damaging effect with decreased androgen-induced activity associated with this variant (PMID: 16870607); Not observed at significant frequency in large population cohorts (gnomAD); Missense variants in this gene are a common cause of disease and they are underrepresented in the general population; In silico analysis supports that this missense variant has a deleterious effect on protein structure/function; This variant is associated with the following publications: (PMID: 16641486, 17591767, 9544375, 11144509, 23044881, 9698822, 10840043, 37147882, 34689141, 38938059, 18710728, 16870607)

Labcorp Genetics (formerly Invitae), Labcorp
Classification: Likely pathogenic for Kennedy disease; Androgen resistance syndrome. Last evaluated: 2025-03-04. Review status: criteria provided, single submitter. Criteria: Invitae Variant Classification Sherloc (09022015). Collection method: clinical testing. Allele origin: germline.
Comment: This sequence change replaces arginine, which is basic and polar, with glutamine, which is neutral and polar, at codon 753 of the AR protein (p.Arg753Gln). This variant is not present in population databases (gnomAD no frequency). This missense change has been observed in individual(s) with AR-related conditions (PMID: 9698822, 34689141). This variant is also known as Arg752Gln. ClinVar contains an entry for this variant (Variation ID: 492792). Invitae Evidence Modeling of protein sequence and biophysical properties (such as structural, functional, and spatial information, amino acid conservation, physicochemical variation, residue mobility, and thermodynamic stability) indicates that this missense variant is expected to disrupt AR protein function with a positive predictive value of 80%. In summary, the currently available evidence indicates that the variant is pathogenic, but additional data are needed to prove that conclusively. Therefore, this variant has been classified as Likely Pathogenic.

Blueprint Genetics
Classification: Pathogenic for AR-related disorders. Last evaluated: 2022-03-10. Review status: criteria provided, single submitter. Criteria: ACMG Guidelines, 2015. Collection method: clinical testing. Allele origin: germline. Affected: yes. Observed: 1 variant allele.

Clinical Molecular Genetics Laboratory, Johns Hopkins All Children's Hospital
Classification: Pathogenic for Androgen resistance syndrome. Last evaluated: 2009-06-26. Review status: no assertion criteria provided. Collection method: clinical testing. Allele origin: germline. Affected: yes. Not counted in ClinVar's aggregate classification.

Literature cited by the submitters: PubMed 9698822 (cited by Labcorp Genetics (formerly Invitae), Labcorp); PubMed 34689141 (cited by Labcorp Genetics (formerly Invitae), Labcorp).